The following is an entry in ClinVar:

ClinVar aggregate classification (germline): Conflicting classifications of pathogenicity. Review status: criteria provided, conflicting classifications (1 of 4 stars). 2 submissions from 2 submitters: Uncertain significance (1); Likely benign (1). Last evaluated 2023-06-02.

Conditions:
Combined immunodeficiency due to LRBA deficiency. Also called: Common variable immunodeficiency 8, with autoimmunity. Identifiers: Orphanet 445018, MedGen C3553512, MONDO:0013863, OMIM 614700.
Inborn genetic diseases. Identifiers: MedGen C0950123, MeSH D030342.

gnomAD v4.1: 1 of 1,613,814 alleles (0.000062%); no homozygotes.

Submissions (2):

Ambry Genetics
Classification: Likely benign for Inborn genetic diseases. Last evaluated: 2023-06-02. Review status: criteria provided, single submitter. Criteria: Ambry Variant Classification Scheme 2023. Collection method: clinical testing. Allele origin: germline.

Labcorp Genetics (formerly Invitae), Labcorp
Classification: Uncertain significance for Combined immunodeficiency due to LRBA deficiency. Last evaluated: 2022-08-19. Review status: criteria provided, single submitter. Criteria: Invitae Variant Classification Sherloc (09022015). Collection method: clinical testing. Allele origin: germline.
Comment: This sequence change replaces valine, which is neutral and non-polar, with methionine, which is neutral and non-polar, at codon 1264 of the LRBA protein (p.Val1264Met). This variant is not present in population databases (gnomAD no frequency). This variant has not been reported in the literature in individuals affected with LRBA-related conditions. Algorithms developed to predict the effect of missense changes on protein structure and function output the following: SIFT: "Deleterious"; PolyPhen-2: "Benign"; Align-GVGD: "Class C0". The methionine amino acid residue is found in multiple mammalian species, which suggests that this missense change does not adversely affect protein function. In summary, the available evidence is currently insufficient to determine the role of this variant in disease. Therefore, it has been classified as a Variant of Uncertain Significance.

NM_001364905.1(LRBA):c.3790G>A (p.Val1264Met)

Gene: LRBA (LPS responsive beige-like anchor protein; minus strand). Cytogenetic location: 4q31.3.
Variant type: single nucleotide variant.
Coding change: c.3790G>A on transcript NM_001364905.1 (MANE Select); coding-DNA position 3790, G replaced by A.
Protein change: p.Val1264Met; replaces valine 1264 with methionine.
Molecular consequence: missense variant.
Genome position (GRCh38, 1-based): chr4:150,851,920, C>T on the plus strand (G>A on the coding strand, the complement: LRBA is on the minus strand). VCF-style: chr4-150851920-C-T. GRCh37 (hg19) VCF-style: chr4-151773072-C-T.
Other names: c.3790G>A, p.Val1264Met (NM_001199282.3, NM_001367550.1, NM_006726.5); short protein forms V1264M.
Identifiers: ClinVar variation 2198912 (VCV002198912.3), dbSNP rs1578996752, ClinGen allele CA358456286.